The following is an entry in ClinVar:

ClinVar aggregate classification (germline): Uncertain significance (1 of 4 stars; one submission).

Conditions:
DICER1-related tumor predisposition. Also called: DICER1 syndrome; DICER1-related pleuropulmonary blastoma cancer predisposition syndrome. Identifiers: Orphanet 284343, MedGen C3839822, MONDO:0100216.

Submission:

Labcorp Genetics (formerly Invitae), Labcorp
Classification: Uncertain significance for DICER1-related tumor predisposition. Last evaluated: 2020-10-13. Review status: criteria provided, single submitter. Criteria: Invitae Variant Classification Sherloc (09022015). Collection method: clinical testing. Allele origin: germline.
Comment: In summary, the available evidence is currently insufficient to determine the role of this variant in disease. Therefore, it has been classified as a Variant of Uncertain Significance. Algorithms developed to predict the effect of missense changes on protein structure and function are either unavailable or do not agree on the potential impact of this missense change (SIFT: "Deleterious"; PolyPhen-2: "Possibly Damaging"; Align-GVGD: "Class C15"). This sequence change replaces glutamic acid with glycine at codon 1797 of the DICER1 protein (p.Glu1797Gly). The glutamic acid residue is highly conserved and there is a moderate physicochemical difference between glutamic acid and glycine. This variant is not present in population databases (ExAC no frequency). This variant has not been reported in the literature in individuals with DICER1-related conditions.

NM_177438.3(DICER1):c.5390A>G (p.Glu1797Gly)

Gene: DICER1 (dicer 1, ribonuclease III; minus strand). Cytogenetic location: 14q32.13.
Variant type: single nucleotide variant.
Coding change: c.5390A>G on transcript NM_177438.3 (MANE Select); coding-DNA position 5390, A replaced by G.
Protein change: p.Glu1797Gly; replaces glutamic acid 1797 with glycine.
Molecular consequence: missense variant. On other transcripts: intron variant (1).
Genome position (GRCh38, 1-based): chr14:95,091,340, T>C on the plus strand (A>G on the coding strand, the complement: DICER1 is on the minus strand). VCF-style: chr14-95091340-T-C. GRCh37 (hg19) VCF-style: chr14-95557677-T-C.
Other names: c.5390A>G, p.Glu1797Gly (NM_001271282.3, NM_001291628.2, NM_030621.4); c.5365-231A>G (NM_001195573.1); short protein forms E1797G.
Identifiers: ClinVar variation 1000667 (VCV001000667.10), dbSNP rs1889816437, ClinGen allele CA390864767.
Genomic context (GRCh38, chr14:95,091,340, plus strand): 5'-CCAGCAAGCGACTCAAAAATATCCCCCATGGCCTTTGGAACTTCAATATCCTCTTCTTTC[T>C]CTTCATCCTCCTCAGATCTCCTAAGCTATTACAGAGGGAAAAGTGACTTGTAAGCAAAAA-3'
Protein context (NP_803187.1, residues 1787-1807): SELRRSEEDE[Glu1797Gly]KEEDIEVPKA